The following is an entry in ClinVar:

NM_004385.5(VCAN):c.652T>A (p.Tyr218Asn)

Gene: VCAN (versican; plus strand). Cytogenetic location: 5q14.2.
Variant type: single nucleotide variant.
Coding change: c.652T>A on transcript NM_004385.5 (MANE Select); coding-DNA position 652, T replaced by A.
Protein change: p.Tyr218Asn; replaces tyrosine 218 with asparagine.
Molecular consequence: missense variant.
Genome position (GRCh38, 1-based): chr5:83,493,835, T>A. VCF-style: chr5-83493835-T-A. GRCh37 (hg19) VCF-style: chr5-82789654-T-A.
Other names: c.652T>A, p.Tyr218Asn (NM_001126336.3, NM_001164097.2, NM_001164098.2); short protein forms Y218N.
Identifiers: ClinVar variation 3360449 (VCV003360449.2).
Genomic context (GRCh38, chr5:83,493,835, plus strand): 5'-TGCCACTAACTAGCCATTTATTTCCCCAGATATCCCATCCGGGCTCCCAGAGTAGGCTGT[T>A]ATGGAGATAAGATGGGAAAGGCAGGAGTCAGGACTTATGGATTCCGTTCTCCCCAGGAAA-3'
Protein context (NP_004376.2, residues 208-228): YPIRAPRVGC[Tyr218Asn]GDKMGKAGVR

ClinVar aggregate classification (germline): Uncertain significance (1 of 4 stars; one submission).

Submission:

GeneDx
Classification: Uncertain significance. Last evaluated: 2025-09-29. Review status: criteria provided, single submitter. Criteria: GeneDx Variant Classification Process June 2021. Collection method: clinical testing. Allele origin: germline.
Comment: Not observed at significant frequency in large population cohorts (gnomAD); In silico analysis supports that this missense variant has a deleterious effect on protein structure/function; Has not been previously published as pathogenic or benign to our knowledge